The following is an entry in ClinVar:

ClinVar aggregate classification (germline): Likely pathogenic (1 of 4 stars; one submission).

Conditions:
Basal ganglia calcification, idiopathic, 7, autosomal recessive. Also called: PRIMARY FAMILIAL BRAIN CALCIFICATION 7, AUTOSOMAL RECESSIVE. Identifiers: MedGen C5193025, MONDO:0032673, OMIM 618317.

Allele frequency attached by ClinVar (database versions not stated): gnomAD exomes 0.00002.
gnomAD v4.1: 20 of 1,605,794 alleles (0.0012%); highest among the groups gnomAD compares: Non-Finnish European, 0.0017%; no homozygotes.

Submission:

SIB Swiss Institute of Bioinformatics
Classification: Likely pathogenic for Basal ganglia calcification, idiopathic, 7, autosomal recessive. Last evaluated: 2019-06-13. Review status: criteria provided, single submitter. Criteria: ACMG Guidelines, 2015. Collection method: curation. Allele origin: unknown.
Comment: This variant is interpreted as a Likely pathogenic for Basal ganglia calcification, idiopathic, 7, autosomal recessive. The following ACMG Tag(s) were applied: PM2, PVS1-Strong, PP1.

Literature cited by the submitters: PubMed 29910000.

NM_020702.5(MYORG):c.1328G>A (p.Trp443Ter)

Gene: MYORG (myogenesis regulating glycosidase; minus strand). Cytogenetic location: 9p13.3.
Variant type: single nucleotide variant.
Coding change: c.1328G>A on transcript NM_020702.5 (MANE Select); coding-DNA position 1328, G replaced by A.
Protein change: p.Trp443Ter; replaces tryptophan 443 with a stop codon.
Molecular consequence: nonsense.
Genome position (GRCh38, 1-based): chr9:34,371,616, C>T on the plus strand (G>A on the coding strand, the complement: MYORG is on the minus strand). VCF-style: chr9-34371616-C-T. GRCh37 (hg19) VCF-style: chr9-34371614-C-T.
Other names: short protein forms W443*.
Identifiers: ClinVar variation 692168 (VCV000692168.1), dbSNP rs868530644, ClinGen allele CA373241653.
Genomic context (GRCh38, chr9:34,371,616, plus strand): 5'-TCGAACTTGAAGGAAGCCACGGAGTAGCGAGAGCGCAGCCGCCGCAGGTGTCCCTGGAAC[C>T]AGTCGCGGGCCTTTGGGTGCGTGAAGTCTAGCACCGCGCCGATGCCGTTCCACCAGCGCA-3'